The following is an entry in ClinVar:

ClinVar aggregate classification (germline): Likely benign (1 of 4 stars; one submission).

Allele frequency attached by ClinVar (database versions not stated): 1000 Genomes Project 0.00499; 1000 Genomes Project 30x 0.00515; gnomAD 0.00879; ESP Exome Variant Server 0.00898; TOPMed 0.00912; gnomAD exomes 0.01108.
gnomAD v4.1: 10,882 of 1,004,500 alleles (1.1%); highest among the groups gnomAD compares: Non-Finnish European, 1.3%; 83 homozygotes.

Submission:

GeneDx
Classification: Likely benign. Last evaluated: 2021-05-22. Review status: criteria provided, single submitter. Criteria: GeneDx Variant Classification Process June 2021. Collection method: clinical testing. Allele origin: germline. Affected: yes.
Comment: See Variant Classification Assertion Criteria.

NM_000283.4(PDE6B):c.1833-53G>T

Gene: PDE6B (phosphodiesterase 6B; plus strand). Cytogenetic location: 4p16.3.
Variant type: single nucleotide variant.
Coding change: c.1833-53G>T on transcript NM_000283.4 (MANE Select); 53 bases into the intron before coding-DNA position 1833, G replaced by T.
Molecular consequence: intron variant.
Genome position (GRCh38, 1-based): chr4:663,047, G>T. VCF-style: chr4-663047-G-T. GRCh37 (hg19) VCF-style: chr4-656836-G-T.
Other names: c.1833-53G>T (NM_001145291.2); c.996-53G>T (NM_001379246.1, NM_001379247.1, NM_001145292.2 and 1 more transcripts); c.678-53G>T (NM_001350155.3).
Identifiers: ClinVar variation 1706804 (VCV001706804.2), dbSNP rs143341363, ClinGen allele CA91089325.
Genomic context (GRCh38, chr4:663,047, plus strand): 5'-AGGCAGACCCTGTCTCAAAAAAAAGAAAGTGGGGCCCATCTGGGGGGGCTGCAGAGCGCA[G>T]GGTGGGCCAAGGGCAGGTCCCACGGGCCTCACCTCCACCACCTGTGTAACAGGTCCCAGA-3'